The following is an entry in ClinVar:

ClinVar aggregate classification (germline): Conflicting classifications of pathogenicity. Review status: criteria provided, conflicting classifications (1 of 4 stars). 2 submissions from 2 submitters: Uncertain significance (1); Likely benign (1). Last evaluated 2025-12-29.

Conditions:
Hereditary cancer-predisposing syndrome. Also called: Hereditary neoplastic syndrome; Tumor predisposition; Neoplastic Syndromes, Hereditary; Hereditary Cancer Syndrome. Identifiers: Orphanet 140162, MedGen C0027672, MeSH D009386, MONDO:0015356.
Neuroblastoma, susceptibility to, 3. Also called: ALK-Related Neuroblastic Tumor Susceptibility. Identifiers: Orphanet 635, MedGen C2751681, MONDO:0013083, OMIM 613014.

Submissions (2):

Labcorp Genetics (formerly Invitae), Labcorp
Classification: Uncertain significance for Neuroblastoma, susceptibility to, 3. Last evaluated: 2025-12-29. Review status: criteria provided, single submitter. Criteria: Invitae Variant Classification Sherloc (09022015). Collection method: clinical testing. Allele origin: germline.
Comment: This sequence change replaces asparagine, which is neutral and polar, with tyrosine, which is neutral and polar, at codon 481 of the ALK protein (p.Asn481Tyr). This variant is not present in population databases (gnomAD no frequency). This variant has not been reported in the literature in individuals affected with ALK-related conditions. ClinVar contains an entry for this variant (Variation ID: 2452118). An algorithm developed to predict the effect of missense changes on protein structure and function (PolyPhen-2) suggests that this variant is likely to be tolerated. In summary, the available evidence is currently insufficient to determine the role of this variant in disease. Therefore, it has been classified as a Variant of Uncertain Significance.

Ambry Genetics
Classification: Likely benign for Hereditary cancer-predisposing syndrome. Last evaluated: 2025-10-01. Review status: criteria provided, single submitter. Criteria: Ambry Variant Classification Scheme 2023. Collection method: clinical testing. Allele origin: germline.

NM_004304.5(ALK):c.1441A>T (p.Asn481Tyr)

Gene: ALK (ALK receptor tyrosine kinase; minus strand). Cytogenetic location: 2p23.2.
Variant type: single nucleotide variant.
Coding change: c.1441A>T on transcript NM_004304.5 (MANE Select); coding-DNA position 1441, A replaced by T.
Protein change: p.Asn481Tyr; replaces asparagine 481 with tyrosine.
Molecular consequence: missense variant.
Genome position (GRCh38, 1-based): chr2:29,320,856, T>A on the plus strand (A>T on the coding strand, the complement: ALK is on the minus strand). VCF-style: chr2-29320856-T-A. GRCh37 (hg19) VCF-style: chr2-29543722-T-A.
Other names: short protein forms N481Y.
Identifiers: ClinVar variation 2452118 (VCV002452118.4), dbSNP rs2465435723, ClinGen allele CA346472648.